The following is an entry in ClinVar:

ClinVar aggregate classification (germline): Uncertain significance. Review status: criteria provided, multiple submitters, no conflicts (2 of 4 stars). 2 submissions from 2 submitters: Uncertain significance (2). Last evaluated 2025-12-03.

Conditions:
Cardiovascular phenotype. Identifiers: MedGen CN230736.
CACNB2-related disorder. Also called: CACNB2-related condition.

Allele frequency attached by ClinVar (database versions not stated): TOPMed 0.00002; gnomAD 0.00001; gnomAD exomes 0.00001; ExAC 0.00002.
gnomAD v4.1: 41 of 1,613,840 alleles (0.0025%); highest among the groups gnomAD compares: Non-Finnish European, 0.0032%; no homozygotes.

Submissions (2):

PreventionGenetics, part of Exact Sciences
Classification: Uncertain significance for CACNB2-related condition. Last evaluated: 2025-12-03. Review status: criteria provided, single submitter. Criteria: ACMG Guidelines, 2015. Collection method: clinical testing. Allele origin: germline.
Comment: The CACNB2 c.1347G>T variant is predicted to result in the amino acid substitution p.Arg449Ser. This variant has been reported as uncertain in an individual with arrhythmia syndrome (Bennett et al. 2019. PubMed ID: 31535183). This variant is reported in 0.0026% of alleles in individuals of European (Non-Finnish) descent in gnomAD and is interpreted as uncertain in ClinVar (Variation ID: 519324). At this time, the clinical significance of this variant is uncertain due to the absence of conclusive functional and genetic evidence.

Ambry Genetics
Classification: Uncertain significance for Cardiovascular phenotype. Last evaluated: 2024-02-10. Review status: criteria provided, single submitter. Criteria: Ambry Variant Classification Scheme 2023. Collection method: clinical testing. Allele origin: germline.
Comment: The p.R449S variant (also known as c.1347G>T), located in coding exon 13 of the CACNB2 gene, results from a G to T substitution at nucleotide position 1347. The arginine at codon 449 is replaced by serine, an amino acid with dissimilar properties. Based on data from ExAC, the T allele has an overall frequency of less than 0.01% (2/106186). This amino acid position is well conserved in available vertebrate species. In addition, the in silico prediction for this alteration is inconclusive. Since supporting evidence is limited at this time, the clinical significance of this variant remains unclear.

NM_201596.3(CACNB2):c.1509G>T (p.Arg503Ser)

Gene: CACNB2 (calcium voltage-gated channel auxiliary subunit beta 2; plus strand). Cytogenetic location: 10p12.31.
Variant type: single nucleotide variant.
Coding change: c.1509G>T on transcript NM_201596.3 (MANE Select); coding-DNA position 1509, G replaced by T.
Protein change: p.Arg503Ser; replaces arginine 503 with serine.
Molecular consequence: missense variant.
Genome position (GRCh38, 1-based): chr10:18,539,250, G>T. VCF-style: chr10-18539250-G-T. GRCh37 (hg19) VCF-style: chr10-18828179-G-T.
Other names: c.1344G>T, p.Arg448Ser (NM_000724.4); c.1311G>T, p.Arg437Ser (NM_001167945.2); c.1230G>T, p.Arg410Ser (NM_001330060.2); c.1365G>T, p.Arg455Ser (NM_201570.3); c.1425G>T, p.Arg475Ser (NM_201571.4); c.1353G>T, p.Arg451Ser (NM_201572.4); c.1347G>T, p.Arg449Ser (NM_201590.3); c.1395G>T, p.Arg465Ser (NM_201593.3); and 1 more; short protein forms R449S, R503S, R410S, R448S, R465S, R475S, R451S, R437S.
Identifiers: ClinVar variation 519324 (VCV000519324.6), dbSNP rs769682775, ClinGen allele CA5430080.